The following is an entry in ClinVar:

NM_020247.5(COQ8A):c.1681dup (p.Asp561fs)

Gene: COQ8A (coenzyme Q8A; plus strand). Cytogenetic location: 1q42.13.
Variant type: Duplication.
Coding change: c.1681dup on transcript NM_020247.5 (MANE Select); coding-DNA position 1681, one base duplicated (G; older notation c.1681dupG).
Protein change: p.Asp561fs; shifts the reading frame from aspartic acid 561.
Molecular consequence: frameshift variant.
Genome position (GRCh38, 1-based): chr1:226,986,474, G duplicated; the last of 2 consecutive G bases (chr1:226,986,473-226,986,474); duplicating either gives the same sequence. VCF-style (leftmost placement, unchanged base first): chr1-226986472-T-TG. GRCh37 (hg19) VCF-style: chr1-227174173-T-TG.
Other names: short protein forms D561fs.
Identifiers: ClinVar variation 1928840 (VCV001928840.5), dbSNP rs745711486, ClinGen allele CA1425635.

ClinVar aggregate classification (germline): Pathogenic (1 of 4 stars; one submission).

Submission:

Labcorp Genetics (formerly Invitae), Labcorp
Classification: Pathogenic. Last evaluated: 2022-04-18. Review status: criteria provided, single submitter. Criteria: Invitae Variant Classification Sherloc (09022015). Collection method: clinical testing. Allele origin: germline.
Comment: This variant disrupts a region of the COQ8A protein in which other variant(s) (p.Pro602Arg) have been determined to be pathogenic (PMID: 24048965). This suggests that this is a clinically significant region of the protein, and that variants that disrupt it are likely to be disease-causing. For these reasons, this variant has been classified as Pathogenic. This variant has not been reported in the literature in individuals affected with COQ8A-related conditions. This sequence change creates a premature translational stop signal (p.Asp561Glyfs*13) in the COQ8A gene. While this is not anticipated to result in nonsense mediated decay, it is expected to disrupt the last 87 amino acid(s) of the COQ8A protein. This variant is present in population databases (rs745711486, gnomAD 0.0009%).

Literature cited by the submitters: PubMed 24048965.